The following is an entry in ClinVar:

NM_002148.4(HOXD10):c.745+8T>G

Gene: HOXD10 (homeobox D10; plus strand). Cytogenetic location: 2q31.1.
Variant type: single nucleotide variant.
Coding change: c.745+8T>G on transcript NM_002148.4 (MANE Select); 8 bases into the intron after coding-DNA position 745, T replaced by G.
Molecular consequence: intron variant.
Genome position (GRCh38, 1-based): chr2:176,117,586, T>G. VCF-style: chr2-176117586-T-G. GRCh37 (hg19) VCF-style: chr2-176982314-T-G.
Identifiers: ClinVar variation 2651561 (VCV002651561.24), dbSNP rs749342247, ClinGen allele CA60872879.

ClinVar aggregate classification (germline): Uncertain significance (1 of 4 stars; one submission).

Submission:

CeGaT Center for Human Genetics Tuebingen
Classification: Uncertain significance. Last evaluated: 2023-05-01. Review status: criteria provided, single submitter. Criteria: CeGaT Center For Human Genetics Tuebingen Variant Classification Criteria Version 2. Collection method: clinical testing. Allele origin: germline. Affected: yes. Observed: 1 variant allele.
Comment: HOXD10: PM2, BP4